The following is an entry in ClinVar:

ClinVar aggregate classification (germline): Benign/Likely benign. Review status: criteria provided, multiple submitters, no conflicts (2 of 4 stars). 5 submissions from 5 submitters: Benign (3); Likely benign (2). Last evaluated 2026-06-25.

Conditions:
Hereditary cancer-predisposing syndrome. Also called: Hereditary Cancer Syndrome; Hereditary neoplastic syndrome; Neoplastic Syndromes, Hereditary; Tumor predisposition. Identifiers: Orphanet 140162, MedGen C0027672, MeSH D009386, MONDO:0015356.
Retinoblastoma (RB1). Also called: RETINOBLASTOMA, SOMATIC. Identifiers: Orphanet 790, MedGen C0035335, MeSH D012175, MONDO:0008380, OMIM 180200, HP:0009919. Disease mechanism: loss of function. Inheritance: Both sporadic and heritable forms are tested..

Allele frequency attached by ClinVar (database versions not stated): TOPMed 0.00002; gnomAD 0.00001.
gnomAD v4.1: 14 of 1,613,910 alleles (0.00087%); highest among the groups gnomAD compares: Admixed American, 0.022%; no homozygotes.

Submissions (5):

Myriad Genetics, Inc.
Classification: Benign for Retinoblastoma. Last evaluated: 2026-06-25. Review status: criteria provided, single submitter. Criteria: Myriad Autosomal Dominant, Autosomal Recessive and X-Linked Classification Criteria (2023). Collection method: clinical testing. Allele origin: unknown.
Comment: This variant is considered benign. This variant is a silent/synonymous amino acid change and it is not expected to impact splicing.

Labcorp Genetics (formerly Invitae), Labcorp
Classification: Likely benign for Retinoblastoma. Last evaluated: 2026-01-18. Review status: criteria provided, single submitter. Criteria: Invitae Variant Classification Sherloc (09022015). Collection method: clinical testing. Allele origin: germline.

All of Us Research Program, National Institutes of Health
Classification: Benign for Retinoblastoma. Last evaluated: 2023-11-02. Review status: criteria provided, single submitter. Criteria: ACMG Guidelines, 2015. Collection method: clinical testing. Allele origin: germline. Inheritance: Autosomal dominant inheritance. Observed: 7 variant alleles, 7 heterozygotes.
Comment: This study involves interpretation of variants in research participants for the purpose of population health screening. Participant phenotype was not available at the time of variant classification. Additional details can be found in publication PMID: 35346344, PMCID: PMC8962531

Color Diagnostics, LLC DBA Color Health
Classification: Benign for Retinoblastoma. Last evaluated: 2022-05-02. Review status: criteria provided, single submitter. Criteria: ACMG Guidelines, 2015. Collection method: clinical testing. Allele origin: germline.

Ambry Genetics
Classification: Likely benign for Hereditary cancer-predisposing syndrome. Last evaluated: 2017-11-07. Review status: criteria provided, single submitter. Criteria: Ambry Variant Classification Scheme 2023. Collection method: clinical testing. Allele origin: germline.

NM_000321.3(RB1):c.1992A>T (p.Thr664=)

Gene: RB1 (RB transcriptional corepressor 1; plus strand). Cytogenetic location: 13q14.2.
Variant type: single nucleotide variant.
Coding change: c.1992A>T on transcript NM_000321.3 (MANE Select); coding-DNA position 1992, A replaced by T.
Protein change: p.Thr664=; no amino-acid change (threonine 664 retained).
Molecular consequence: synonymous variant.
Genome position (GRCh38, 1-based): chr13:48,459,719, A>T. VCF-style: chr13-48459719-A-T. GRCh37 (hg19) VCF-style: chr13-49033855-A-T.
Identifiers: ClinVar variation 707432 (VCV000707432.18), dbSNP rs755417160, ClinGen allele CA033684.
Genomic context (GRCh38, chr13:48,459,719, plus strand): 5'-AAAATGACTAATTTTTCTTATTCCCACAGTGTATCGGCTAGCCTATCTCCGGCTAAATAC[A>T]CTTTGTGAACGCCTTCTGTCTGAGCACCCAGAATTAGAACATATCATCTGGACCCTTTTC-3'
Protein context (NP_000312.2, residues 654-674): VYRLAYLRLN[Thr664=]LCERLLSEHP